The following is an entry in ClinVar:

NM_024675.4(PALB2):c.2239T>C (p.Ser747Pro)

Gene: PALB2 (partner and localizer of BRCA2; minus strand). Cytogenetic location: 16p12.2.
Variant type: single nucleotide variant.
Coding change: c.2239T>C on transcript NM_024675.4 (MANE Select); coding-DNA position 2239, T replaced by C.
Protein change: p.Ser747Pro; replaces serine 747 with proline.
Molecular consequence: missense variant.
Genome position (GRCh38, 1-based): chr16:23,629,915, A>G on the plus strand (T>C on the coding strand, the complement: PALB2 is on the minus strand). VCF-style: chr16-23629915-A-G. GRCh37 (hg19) VCF-style: chr16-23641236-A-G.
Other names: short protein forms S747P.
Identifiers: ClinVar variation 820937 (VCV000820937.19), dbSNP rs1189203530, ClinGen allele CA395125508.

ClinVar aggregate classification (germline): Conflicting classifications of pathogenicity. Review status: criteria provided, conflicting classifications (1 of 4 stars). 3 submissions from 3 submitters: Uncertain significance (2); Likely benign (1). Last evaluated 2025-07-09.

Conditions:
Familial cancer of breast. Also called: BREAST CANCER, FAMILIAL; Hereditary breast cancer; hereditary breast carcinoma. Identifiers: Orphanet 227535, MedGen C0346153, MONDO:0016419, OMIM 114480. Disease mechanism: loss of function.
Hereditary cancer-predisposing syndrome. Also called: Neoplastic Syndromes, Hereditary; Tumor predisposition; Hereditary Cancer Syndrome; Hereditary neoplastic syndrome. Identifiers: Orphanet 140162, MedGen C0027672, MeSH D009386, MONDO:0015356.

Allele frequency attached by ClinVar (database versions not stated): gnomAD exomes below 0.00001 and 0.00001.
gnomAD v4.1: 3 of 1,614,192 alleles (0.00019%); highest among the groups gnomAD compares: Middle Eastern, 0.016%; no homozygotes.

Submissions (3):

Ambry Genetics
Classification: Likely benign for Hereditary cancer-predisposing syndrome. Last evaluated: 2025-07-09. Review status: criteria provided, single submitter. Criteria: Ambry Variant Classification Scheme 2023. Collection method: clinical testing. Allele origin: germline.

Labcorp Genetics (formerly Invitae), Labcorp
Classification: Uncertain significance for Familial cancer of breast. Last evaluated: 2024-05-07. Review status: criteria provided, single submitter. Criteria: Invitae Variant Classification Sherloc (09022015). Collection method: clinical testing. Allele origin: germline.
Comment: This sequence change replaces serine, which is neutral and polar, with proline, which is neutral and non-polar, at codon 747 of the PALB2 protein (p.Ser747Pro). This variant is present in population databases (no rsID available, gnomAD 0.004%). This variant has not been reported in the literature in individuals affected with PALB2-related conditions. ClinVar contains an entry for this variant (Variation ID: 820937). Advanced modeling of protein sequence and biophysical properties (such as structural, functional, and spatial information, amino acid conservation, physicochemical variation, residue mobility, and thermodynamic stability) performed at Invitae indicates that this missense variant is not expected to disrupt PALB2 protein function with a negative predictive value of 80%. In summary, the available evidence is currently insufficient to determine the role of this variant in disease. Therefore, it has been classified as a Variant of Uncertain Significance.

Color Diagnostics, LLC DBA Color Health
Classification: Uncertain significance for Hereditary cancer-predisposing syndrome. Last evaluated: 2023-12-04. Review status: criteria provided, single submitter. Criteria: ACMG Guidelines, 2015. Collection method: clinical testing. Allele origin: germline.
Comment: This missense variant replaces serine with proline at codon 747 of the PALB2 protein. Computational prediction suggests that this variant may not impact protein structure and function (internally defined REVEL score threshold <= 0.5, PMID: 27666373). To our knowledge, functional studies have not been reported for this variant. This variant has not been reported in individuals affected with PALB2-related disorders in the literature. This variant has been identified in 1/251492 chromosomes in the general population by the Genome Aggregation Database (gnomAD). The available evidence is insufficient to determine the role of this variant in disease conclusively. Therefore, this variant is classified as a Variant of Uncertain Significance.